The following is an entry in ClinVar:

ClinVar aggregate classification (germline): Uncertain significance (1 of 4 stars; one submission).

Conditions:
Cohen syndrome (COH1). Also called: PEPPER SYNDROME; Cutis verticis gyrata, retinitis pigmentosa, and sensorineural deafness. Identifiers: Orphanet 193, MedGen C0265223, MONDO:0008999, OMIM 216550.

gnomAD v4.1: 2 of 1,613,490 alleles (0.00012%); highest among the groups gnomAD compares: East Asian, 0.0045%; no homozygotes.

Submission:

Labcorp Genetics (formerly Invitae), Labcorp
Classification: Uncertain significance for Cohen syndrome. Last evaluated: 2025-10-31. Review status: criteria provided, single submitter. Criteria: Invitae Variant Classification Sherloc (09022015). Collection method: clinical testing. Allele origin: germline.
Comment: This sequence change replaces aspartic acid, which is acidic and polar, with tyrosine, which is neutral and polar, at codon 2953 of the VPS13B protein (p.Asp2953Tyr). This variant is not present in population databases (gnomAD no frequency). This variant has not been reported in the literature in individuals affected with VPS13B-related conditions. Invitae Evidence Modeling of protein sequence and biophysical properties (such as structural, functional, and spatial information, amino acid conservation, physicochemical variation, residue mobility, and thermodynamic stability) indicates that this missense variant is expected to disrupt VPS13B protein function with a positive predictive value of 80%. In summary, the available evidence is currently insufficient to determine the role of this variant in disease. Therefore, it has been classified as a Variant of Uncertain Significance.

NM_152564.5(VPS13B):c.8782G>T (p.Asp2928Tyr)

Gene: VPS13B (vacuolar protein sorting 13 homolog B; plus strand). Cytogenetic location: 8q22.2.
Variant type: single nucleotide variant.
Coding change: c.8782G>T on transcript NM_152564.5 (MANE Select); coding-DNA position 8782, G replaced by T.
Protein change: p.Asp2928Tyr; replaces aspartic acid 2928 with tyrosine.
Molecular consequence: missense variant.
Genome position (GRCh38, 1-based): chr8:99,819,572, G>T. VCF-style: chr8-99819572-G-T. GRCh37 (hg19) VCF-style: chr8-100831800-G-T.
Other names: c.8857G>T, p.Asp2953Tyr (NM_017890.5); short protein forms D2953Y, D2928Y.
Identifiers: ClinVar variation 4742945 (VCV004742945.1).